The following is an entry in ClinVar:

NM_000489.6(ATRX):c.389C>T (p.Pro130Leu)

Gene: ATRX (ATRX chromatin remodeler; minus strand). Cytogenetic location: Xq21.1.
Variant type: single nucleotide variant.
Coding change: c.389C>T on transcript NM_000489.6 (MANE Select); coding-DNA position 389, C replaced by T.
Protein change: p.Pro130Leu; replaces proline 130 with leucine.
Molecular consequence: missense variant. On other transcripts: intron variant (1).
Genome position (GRCh38, 1-based): chrX:77,693,919, G>A on the plus strand (C>T on the coding strand, the complement: ATRX is on the minus strand). VCF-style: chrX-77693919-G-A. GRCh37 (hg19) VCF-style: chrX-76949408-G-A.
Other names: c.370+2658C>T (NM_138270.5); short protein forms P130L.
Identifiers: ClinVar variation 4527987 (VCV004527987.1).

ClinVar aggregate classification (germline): Uncertain significance (1 of 4 stars; one submission).

Submission:

GeneDx
Classification: Uncertain significance. Last evaluated: 2025-05-06. Review status: criteria provided, single submitter. Criteria: GeneDx Variant Classification Process June 2021. Collection method: clinical testing. Allele origin: germline. Affected: yes.
Comment: Not observed at significant frequency in large population cohorts (gnomAD); In silico analysis supports that this missense variant has a deleterious effect on protein structure/function; Has not been previously published as pathogenic or benign to our knowledge